The following is an entry in ClinVar:

ClinVar aggregate classification (germline): Uncertain significance (1 of 4 stars; one submission).

Allele frequency attached by ClinVar (database versions not stated): gnomAD 0.00001; ExAC 0.00002; TOPMed 0.00003.
gnomAD v4.1: 6 of 1,614,068 alleles (0.00037%); highest among the groups gnomAD compares: Admixed American, 0.0083%; no homozygotes.

Submission:

Labcorp Genetics (formerly Invitae), Labcorp
Classification: Uncertain significance. Last evaluated: 2025-09-02. Review status: criteria provided, single submitter. Criteria: Invitae Variant Classification Sherloc (09022015). Collection method: clinical testing. Allele origin: germline.
Comment: This sequence change replaces proline, which is neutral and non-polar, with leucine, which is neutral and non-polar, at codon 231 of the WNK4 protein (p.Pro231Leu). This variant is present in population databases (rs749059920, gnomAD 0.01%). This variant has not been reported in the literature in individuals affected with WNK4-related conditions. ClinVar contains an entry for this variant (Variation ID: 1987041). Experimental studies and prediction algorithms are not available or were not evaluated, and the functional significance of this variant is currently unknown. In summary, the available evidence is currently insufficient to determine the role of this variant in disease. Therefore, it has been classified as a Variant of Uncertain Significance.

NM_032387.5(WNK4):c.692C>T (p.Pro231Leu)

Gene: WNK4 (WNK lysine deficient protein kinase 4; plus strand). Cytogenetic location: 17q21.2.
Variant type: single nucleotide variant.
Coding change: c.692C>T on transcript NM_032387.5 (MANE Select); coding-DNA position 692, C replaced by T.
Protein change: p.Pro231Leu; replaces proline 231 with leucine.
Molecular consequence: missense variant. On other transcripts: 5 prime UTR variant (1).
Genome position (GRCh38, 1-based): chr17:42,782,831, C>T. VCF-style: chr17-42782831-C-T. GRCh37 (hg19) VCF-style: chr17-40934849-C-T.
Other names: c.-228C>T (NM_001321299.2); short protein forms P231L.
Identifiers: ClinVar variation 1987041 (VCV001987041.3), dbSNP rs749059920, ClinGen allele CA8583740.